The following is an entry in ClinVar:

ClinVar aggregate classification (germline): Uncertain significance. Review status: criteria provided, multiple submitters, no conflicts (2 of 4 stars). 3 submissions from 3 submitters: Uncertain significance (3). Last evaluated 2025-11-15.

Conditions:
Familial cancer of breast. Also called: hereditary breast carcinoma; BREAST CANCER, FAMILIAL; Hereditary breast cancer. Identifiers: Orphanet 227535, MedGen C0346153, MONDO:0016419, OMIM 114480. Disease mechanism: loss of function.
Hereditary cancer-predisposing syndrome. Also called: Hereditary neoplastic syndrome; Hereditary Cancer Syndrome; Tumor predisposition; Neoplastic Syndromes, Hereditary. Identifiers: Orphanet 140162, MedGen C0027672, MeSH D009386, MONDO:0015356.

Allele frequency attached by ClinVar (database versions not stated): ExAC 0.00001; 1000 Genomes Project 30x 0.00016; 1000 Genomes Project 0.00020.

Submissions (3):

Ambry Genetics
Classification: Uncertain significance for Hereditary cancer-predisposing syndrome. Last evaluated: 2025-11-15. Review status: criteria provided, single submitter. Criteria: Ambry Variant Classification Scheme 2023. Collection method: clinical testing. Allele origin: germline.
Comment: The p.G1104C variant (also known as c.3310G>T), located in coding exon 12 of the PALB2 gene, results from a G to T substitution at nucleotide position 3310. The glycine at codon 1104 is replaced by cysteine, an amino acid with highly dissimilar properties. This amino acid position is conserved. In addition, this alteration is predicted to be tolerated by in silico analysis. Based on the available evidence, the clinical significance of this variant remains unclear.

GeneDx
Classification: Uncertain significance. Last evaluated: 2025-03-07. Review status: criteria provided, single submitter. Criteria: GeneDx Variant Classification Process June 2021. Collection method: clinical testing. Allele origin: germline. Affected: yes.
Comment: Not observed at significant frequency in large population cohorts (gnomAD); In silico analysis supports that this missense variant has a deleterious effect on protein structure/function; Has not been previously published as pathogenic or benign to our knowledge; This variant is associated with the following publications: (PMID: 19609323, 24485656, 20871615)

Labcorp Genetics (formerly Invitae), Labcorp
Classification: Uncertain significance for Familial cancer of breast. Last evaluated: 2021-07-25. Review status: criteria provided, single submitter. Criteria: Invitae Variant Classification Sherloc (09022015). Collection method: clinical testing. Allele origin: germline.
Comment: This sequence change replaces glycine with cysteine at codon 1104 of the PALB2 protein (p.Gly1104Cys). The glycine residue is highly conserved and there is a large physicochemical difference between glycine and cysteine. In summary, the available evidence is currently insufficient to determine the role of this variant in disease. Therefore, it has been classified as a Variant of Uncertain Significance. Algorithms developed to predict the effect of sequence changes on RNA splicing suggest that this variant may create or strengthen a splice site. Algorithms developed to predict the effect of missense changes on protein structure and function (SIFT, PolyPhen-2, Align-GVGD) all suggest that this variant is likely to be disruptive. This variant has not been reported in the literature in individuals affected with PALB2-related conditions. This variant is present in population databases (rs188254555, ExAC 0.01%).

NM_024675.4(PALB2):c.3310G>T (p.Gly1104Cys)

Gene: PALB2 (partner and localizer of BRCA2; minus strand). Cytogenetic location: 16p12.2.
Variant type: single nucleotide variant.
Coding change: c.3310G>T on transcript NM_024675.4 (MANE Select); coding-DNA position 3310, G replaced by T.
Protein change: p.Gly1104Cys; replaces glycine 1104 with cysteine.
Molecular consequence: missense variant.
Genome position (GRCh38, 1-based): chr16:23,607,904, C>A on the plus strand (G>T on the coding strand, the complement: PALB2 is on the minus strand). VCF-style: chr16-23607904-C-A. GRCh37 (hg19) VCF-style: chr16-23619225-C-A.
Other names: c.3310G>T (NM_024675.3); short protein forms G1104C.
Identifiers: ClinVar variation 1521445 (VCV001521445.11), dbSNP rs188254555, ClinGen allele CA7963386.